The following is an entry in ClinVar:

ClinVar aggregate classification (germline): Uncertain significance (1 of 4 stars; one submission).

Allele frequency attached by ClinVar (database versions not stated): TOPMed below 0.00001; gnomAD 0.00001; gnomAD exomes 0.00001; ExAC 0.00002; 1000 Genomes Project 30x 0.00016; 1000 Genomes Project 0.00020.
gnomAD v4.1: 4 of 1,613,990 alleles (0.00025%); highest among the groups gnomAD compares: South Asian, 0.0044%; no homozygotes.

Submission:

Ambry Genetics
Classification: Uncertain significance. Last evaluated: 2024-06-11. Review status: criteria provided, single submitter. Criteria: Ambry Variant Classification Scheme 2023. Collection method: clinical testing. Allele origin: germline.
Comment: The p.N23S variant (also known as c.68A>G), located in coding exon 1 of the PALLD gene, results from an A to G substitution at nucleotide position 68. The asparagine at codon 23 is replaced by serine, an amino acid with highly similar properties. This amino acid position is conserved. In addition, this alteration is predicted to be tolerated by in silico analysis. Since supporting evidence is limited at this time, the clinical significance of this alteration remains unclear.

NM_001166108.2(PALLD):c.68A>G (p.Asn23Ser)

Gene: PALLD (palladin, cytoskeletal associated protein; plus strand). Cytogenetic location: 4q32.3.
Variant type: single nucleotide variant.
Coding change: c.68A>G on transcript NM_001166108.2 (MANE Select); coding-DNA position 68, A replaced by G.
Protein change: p.Asn23Ser; replaces asparagine 23 with serine.
Molecular consequence: missense variant.
Genome position (GRCh38, 1-based): chr4:168,511,572, A>G. VCF-style: chr4-168511572-A-G. GRCh37 (hg19) VCF-style: chr4-169432723-A-G.
Other names: c.68A>G, p.Asn23Ser (NM_016081.4); short protein forms N23S.
Identifiers: ClinVar variation 1756045 (VCV001756045.3), dbSNP rs543156415, ClinGen allele CA3135289.